The following is an entry in ClinVar:

ClinVar aggregate classification (germline): Conflicting classifications of pathogenicity. Review status: criteria provided, conflicting classifications (1 of 4 stars). 3 submissions from 2 submitters: Uncertain significance (1); Benign (1); Likely benign (1). Last evaluated 2018-01-13.

Conditions:
Corneal dystrophy. Identifiers: Orphanet 34533, MedGen C0010036, MONDO:0018102, HP:0001131.
Bietti crystalline corneoretinal dystrophy (BCD). Also called: Bietti Crystalline Dystrophy; BIETTI TAPETORETINAL DEGENERATION WITH MARGINAL CORNEAL DYSTROPHY. Identifiers: Orphanet 41751, MedGen C1859486, MONDO:0008865, OMIM 210370.

Allele frequency attached by ClinVar (database versions not stated): gnomAD exomes 0.00435 and 0.00502; ExAC 0.00442; 1000 Genomes Project 0.00479; gnomAD 0.00479 and 0.00485; TOPMed 0.00506; 1000 Genomes Project 30x 0.00531; ESP Exome Variant Server 0.00654.
gnomAD v4.1: 8,062 of 1,614,046 alleles (0.5%); highest among the groups gnomAD compares: South Asian, 0.88%; 26 homozygotes.

Submissions (3):

Illumina Laboratory Services, Illumina
Classification: Uncertain significance for Corneal dystrophy. Last evaluated: 2018-01-13. Review status: criteria provided, single submitter. Criteria: ICSL Variant Classification Criteria 13 December 2019. Collection method: clinical testing. Allele origin: germline.

Illumina Laboratory Services, Illumina
Classification: Likely benign for Bietti crystalline corneoretinal dystrophy. Last evaluated: 2018-01-13. Review status: criteria provided, single submitter. Criteria: ICSL Variant Classification Criteria 13 December 2019. Collection method: clinical testing. Allele origin: germline.
Comment: This variant was observed in the ICSL laboratory as part of a predisposition screen in an ostensibly healthy population. It had not been previously curated by ICSL or reported in the Human Gene Mutation Database (HGMD: prior to June 1st, 2018), and was therefore a candidate for classification through an automated scoring system. Utilizing variant allele frequency, disease prevalence and penetrance estimates, and inheritance mode, an automated score was calculated to assess if this variant is too frequent to cause the disease. Based on the score and internal cut-off values, a variant classified as likely benign is not then subjected to further curation. The score for this variant resulted in a classification of likely benign for this disease.

Eurofins Ntd Llc (ga)
Classification: Benign. Last evaluated: 2013-08-09. Review status: criteria provided, single submitter. Criteria: EGL Classification Definitions 2015. Collection method: clinical testing. Allele origin: germline. Observed: 2 variant alleles, 2 heterozygotes.

NM_207352.4(CYP4V2):c.*4T>C

Gene: CYP4V2 (cytochrome P450 family 4 subfamily V member 2; plus strand). Cytogenetic location: 4q35.2.
Variant type: single nucleotide variant.
Coding change: c.*4T>C on transcript NM_207352.4 (MANE Select); 4 bases downstream of the stop codon, T replaced by C.
Molecular consequence: 3 prime UTR variant.
Genome position (GRCh38, 1-based): chr4:186,210,645, T>C. VCF-style: chr4-186210645-T-C. GRCh37 (hg19) VCF-style: chr4-187131799-T-C.
Identifiers: ClinVar variation 166980 (VCV000166980.9), dbSNP rs76978024, ClinGen allele CA179962.